The following is an entry in ClinVar:

NM_002691.4(POLD1):c.3120+11C>T

Gene: POLD1 (DNA polymerase delta 1, catalytic subunit; plus strand). Cytogenetic location: 19q13.33.
Variant type: single nucleotide variant.
Coding change: c.3120+11C>T on transcript NM_002691.4 (MANE Select); 11 bases into the intron after coding-DNA position 3120, C replaced by T.
Molecular consequence: intron variant.
Genome position (GRCh38, 1-based): chr19:50,417,108, C>T. VCF-style: chr19-50417108-C-T. GRCh37 (hg19) VCF-style: chr19-50920365-C-T.
Other names: c.3120+11C>T (LRG_785t1, NM_001256849.1); c.3198+11C>T (LRG_785t2, NM_001308632.1).
Identifiers: ClinVar variation 385103 (VCV000385103.9), dbSNP rs369535710, ClinGen allele CA9596752.
Genomic context (GRCh38, chr19:50,417,108, plus strand): 5'-CCGTGTGTGAGTTCTGCCAGCCCCGGGAGTCTGAGCTGTATCAGAAGGAGGTGAGAGGGC[C>T]GGGAGGTGAGGAGGGGCCAGGTGGGGAGGCGGGGGCGCCCTGCTCAGCCGCTGCCGTCCC-3'

ClinVar aggregate classification (germline): Likely benign. Review status: criteria provided, multiple submitters, no conflicts (2 of 4 stars). 3 submissions from 3 submitters: Likely benign (3). Last evaluated 2026-01-20.

Conditions:
POLD1-related polyposis and colorectal cancer syndrome (CRCS10). Also called: Colorectal cancer, susceptibility to, 10; Colorectal cancer 10; COLORECTAL CANCER, SUSCEPTIBILITY TO, ON CHROMOSOME 19q. Identifiers: Orphanet 220460, MedGen C2675481, MONDO:0012953, OMIM 612591.

Allele frequency attached by ClinVar (database versions not stated): gnomAD exomes 0.00002; ExAC 0.00004; ESP Exome Variant Server 0.00008; TOPMed 0.00008; gnomAD 0.00009 and 0.00010.
gnomAD v4.1: 56 of 1,563,416 alleles (0.0036%); highest among the groups gnomAD compares: African/African-American, 0.02%; no homozygotes.

Submissions (3):

Labcorp Genetics (formerly Invitae), Labcorp
Classification: Likely benign for POLD1-related polyposis and colorectal cancer syndrome. Last evaluated: 2026-01-20. Review status: criteria provided, single submitter. Criteria: Invitae Variant Classification Sherloc (09022015). Collection method: clinical testing. Allele origin: germline.

Blueprint Genetics
Classification: Likely benign. Last evaluated: 2022-12-21. Review status: criteria provided, single submitter. Criteria: ACMG Guidelines, 2015. Collection method: clinical testing. Allele origin: germline.

GeneDx
Classification: Likely benign. Last evaluated: 2016-03-25. Review status: criteria provided, single submitter. Criteria: GeneDx Variant Classification (06012015). Collection method: clinical testing. Allele origin: germline. Affected: yes.
Comment: This variant is considered likely benign or benign based on one or more of the following criteria: it is a conservative change, it occurs at a poorly conserved position in the protein, it is predicted to be benign by multiple in silico algorithms, and/or has population frequency not consistent with disease.